The following is an entry in ClinVar:

ClinVar aggregate classification (germline): Uncertain significance (1 of 4 stars; one submission).

Conditions:
Hereditary cancer-predisposing syndrome. Also called: Hereditary Cancer Syndrome; Tumor predisposition; Hereditary neoplastic syndrome; Neoplastic Syndromes, Hereditary. Identifiers: Orphanet 140162, MedGen C0027672, MeSH D009386, MONDO:0015356.

gnomAD v4.1: 1 of 1,613,804 alleles (0.000062%); highest among the groups gnomAD compares: African/African-American, 0.0013%; no homozygotes.

Submission:

Ambry Genetics
Classification: Uncertain significance for Hereditary cancer-predisposing syndrome. Last evaluated: 2024-04-10. Review status: criteria provided, single submitter. Criteria: Ambry Variant Classification Scheme 2023. Collection method: clinical testing. Allele origin: germline.
Comment: The p.P432S variant (also known as c.1294C>T), located in coding exon 6 of the BLM gene, results from a C to T substitution at nucleotide position 1294. The proline at codon 432 is replaced by serine, an amino acid with similar properties. This amino acid position is conserved. In addition, this alteration is predicted to be tolerated by in silico analysis. Based on the available evidence, the clinical significance of this variant remains unclear.

NM_000057.4(BLM):c.1294C>T (p.Pro432Ser)

Gene: BLM (BLM RecQ like helicase; plus strand). Cytogenetic location: 15q26.1.
Variant type: single nucleotide variant.
Coding change: c.1294C>T on transcript NM_000057.4 (MANE Select); coding-DNA position 1294, C replaced by T.
Protein change: p.Pro432Ser; replaces proline 432 with serine.
Molecular consequence: missense variant.
Genome position (GRCh38, 1-based): chr15:90,760,667, C>T. VCF-style: chr15-90760667-C-T. GRCh37 (hg19) VCF-style: chr15-91303897-C-T.
Other names: c.1294C>T, p.Pro432Ser (NM_001287246.2, NM_001287247.2); c.169C>T, p.Pro57Ser (NM_001287248.2); short protein forms P432S, P57S.
Identifiers: ClinVar variation 3261028 (VCV003261028.1).